The following is an entry in ClinVar:

ClinVar aggregate classification (germline): Pathogenic (1 of 4 stars; one submission).

Conditions:
KBG syndrome (KBGS). Also called: ANKRD11-Related KBG Syndrome. Identifiers: Orphanet 2332, MedGen C0220687, MONDO:0007846, OMIM 148050.

Submission:

Medical Genetics Unit, Azienda USL-IRCCS di Reggio Emilia
Classification: Pathogenic for KBG syndrome. Last evaluated: 2022-07-27. Review status: criteria provided, single submitter. Criteria: ACMG Guidelines, 2015. Collection method: clinical testing. Allele origin: de novo. Affected: yes. Observed: 1 variant allele.
Comment: ACMG/AMP: PVS1,PS2,PM2

NM_013275.6(ANKRD11):c.3509_3512del (p.Lys1170fs)

Gene: ANKRD11 (ankyrin repeat domain 11; minus strand). Cytogenetic location: 16q24.3.
Variant type: Deletion.
Coding change: c.3509_3512del on transcript NM_013275.6 (MANE Select); coding-DNA positions 3509 to 3512, 4 bases deleted (AGCA; older notation c.3509_3512delAGCA).
Protein change: p.Lys1170fs; shifts the reading frame from lysine 1170.
Molecular consequence: frameshift variant.
Genome position (GRCh38, 1-based): chr16:89,283,030-89,283,033, TGCT deleted on the plus strand (AGCA on the coding strand, the reverse complement: ANKRD11 is on the minus strand); deleting any 4 consecutive bases within chr16:89,283,030-89,283,035 gives the same sequence; the c. name uses the placement nearest the transcript's 3' end. VCF-style (leftmost placement, unchanged base first): chr16-89283029-CTGCT-C. GRCh37 (hg19) VCF-style: chr16-89349437-CTGCT-C.
Other names: c.3509_3512del, p.Lys1170fs (NM_001256182.2, NM_001256183.2); short protein forms K1170fs.
Identifiers: ClinVar variation 2503463 (VCV002503463.1), dbSNP rs2544237119, ClinGen allele CA2586963946.